The following is an entry in ClinVar:

NM_007078.3(LDB3):c.1045T>A (p.Ser349Thr)

Gene: LDB3 (LIM domain binding 3; plus strand). Cytogenetic location: 10q23.2.
Variant type: single nucleotide variant.
Coding change: c.1045T>A on transcript NM_007078.3 (MANE Select); coding-DNA position 1045, T replaced by A.
Protein change: p.Ser349Thr; replaces serine 349 with threonine.
Molecular consequence: missense variant. On other transcripts: intron variant (4).
Genome position (GRCh38, 1-based): chr10:86,706,679, T>A. VCF-style: chr10-86706679-T-A. GRCh37 (hg19) VCF-style: chr10-88466436-T-A.
Other names: p.S349T:TCC>ACC; c.904T>A, p.Ser302Thr (NM_001368066.1); c.897-3226T>A (NM_001368064.1, NM_001368065.1); c.1101-3226T>A (NM_001171610.2); c.756-3226T>A (NM_001080114.2); short protein forms S349T, S302T.
Identifiers: ClinVar variation 177883 (VCV000177883.21), dbSNP rs147042608, ClinGen allele CA180926.

ClinVar aggregate classification (germline): Likely benign. Review status: criteria provided, multiple submitters, no conflicts (2 of 4 stars). 7 submissions from 7 submitters: Likely benign (6). 1 of the submissions does not count toward it. Last evaluated 2026-01-14.

Conditions:
LDB3-related disorder. Also called: LDB3-related condition.
Cardiovascular phenotype. Identifiers: MedGen CN230736.
Dilated cardiomyopathy 1C (CMD1C). Also called: CARDIOMYOPATHY, DILATED, 1C, WITH OR WITHOUT LEFT VENTRICULAR NONCOMPACTION; Cardiomyopathy, dilated, 1C, with or without LVNC. Identifiers: Orphanet 154, Orphanet 54260, MedGen C1832244, MONDO:0011094, OMIM 601493.
Myofibrillar myopathy 4. Also called: Zaspopathy (type). Identifiers: Orphanet 98912, MedGen C4721886, MONDO:0012277, OMIM 609452.

Allele frequency attached by ClinVar (database versions not stated): gnomAD exomes 0.00005 and 0.00012; ExAC 0.00013; ESP Exome Variant Server 0.00038; gnomAD 0.00050 and 0.00051; TOPMed 0.00054; 1000 Genomes Project 0.00060; 1000 Genomes Project 30x 0.00078.

Submissions (7):

Labcorp Genetics (formerly Invitae), Labcorp
Classification: Likely benign for Myofibrillar myopathy 4. Last evaluated: 2026-01-14. Review status: criteria provided, single submitter. Criteria: Invitae Variant Classification Sherloc (09022015). Collection method: clinical testing. Allele origin: germline.

Women's Health and Genetics/Laboratory Corporation of America, LabCorp
Classification: Likely benign. Last evaluated: 2025-07-24. Review status: criteria provided, single submitter. Criteria: LabCorp Variant Classification Summary - May 2015. Collection method: clinical testing. Allele origin: germline.

Fulgent Genetics
Classification: Likely benign for Dilated cardiomyopathy 1C; Myofibrillar myopathy 4. Last evaluated: 2021-10-12. Review status: criteria provided, single submitter. Criteria: ACMG Guidelines, 2015. Collection method: clinical testing. Allele origin: unknown.

GeneDx
Classification: Likely benign. Last evaluated: 2020-04-20. Review status: criteria provided, single submitter. Criteria: GeneDx Variant Classification Process June 2021. Collection method: clinical testing. Allele origin: germline. Affected: yes.
Comment: In silico analysis supports that this missense variant does not alter protein structure/function

Laboratory for Molecular Medicine, Mass General Brigham Personalized Medicine
Classification: Likely benign. Last evaluated: 2018-11-26. Review status: criteria provided, single submitter. Criteria: LMM Criteria. Collection method: clinical testing. Allele origin: germline. Observed: 2 variant alleles.
Comment: proposed classification - variant undergoing re-assessment, contact laboratory

Ambry Genetics
Classification: Likely benign for Cardiovascular phenotype. Last evaluated: 2018-06-19. Review status: criteria provided, single submitter. Criteria: Ambry Variant Classification Scheme 2023. Collection method: clinical testing. Allele origin: germline.

PreventionGenetics, part of Exact Sciences
Classification: Likely benign for LDB3-related condition. Last evaluated: 2020-07-15. Review status: no assertion criteria provided. Collection method: clinical testing. Allele origin: germline. Not counted in ClinVar's aggregate classification.
Comment: This variant is classified as likely benign based on ACMG/AMP sequence variant interpretation guidelines (Richards et al. 2015 PMID: 25741868, with internal and published modifications).